The following is an entry in ClinVar:

ClinVar aggregate classification (germline): Pathogenic (1 of 4 stars; one submission).

Conditions:
Hereditary breast ovarian cancer syndrome. Also called: Hereditary breast and/or ovarian cancer syndrome; Hereditary breast and ovarian cancer syndrome (HBOC); Breast and ovarian cancer; Hereditary breast and ovarian cancer; BRCA1- and BRCA2-Associated Hereditary Breast and Ovarian Cancer; Hereditary breast and ovarian cancer syndrome. Identifiers: Orphanet 145, MedGen C0677776, MeSH D061325, MONDO:0003582. Disease mechanism: loss of function.

Submission:

Labcorp Genetics (formerly Invitae), Labcorp
Classification: Pathogenic for Hereditary breast and ovarian cancer syndrome. Last evaluated: 2019-11-15. Review status: criteria provided, single submitter. Criteria: Invitae Variant Classification Sherloc (09022015). Collection method: clinical testing. Allele origin: germline.
Comment: This variant is a gross deletion of the genomic region encompassing exons 1-22 of the BRCA1 gene, which includes the initiator codon. The 5' end of this event is unknown as it extends beyond the assayed region for this gene and therefore may encompass additional genes. The 3' boundary is likely confined to intron 22 of the BRCA1 gene. This is expected to result in an absent or disrupted protein product. A deletion of exons 1-22 has been observed in individuals with breast and ovarian cancer (PMID: 17026620, 28595730). This variant is also known as deletion of exons 1-23 in the literature. Loss-of-function variants in BRCA1 are known to be pathogenic (PMID: 20104584). For these reasons, this variant has been classified as Pathogenic.

Literature cited by the submitters: PubMed 17026620; PubMed 28595730.

NC_000017.11:g.(?_43047633)_(43126360_?)del

Genes: NBR2 (neighbor of BRCA1 lncRNA 2; plus strand), BRCA1 (BRCA1 DNA repair associated; minus strand). Cytogenetic location: 17q21.31.
Variant type: Deletion.
Identifiers: ClinVar variation 831192 (VCV000831192.1).